The following is an entry in ClinVar:

NM_031459.5(SESN2):c.468G>A (p.Leu156=)

Gene: SESN2 (sestrin 2; plus strand). Cytogenetic location: 1p35.3.
Variant type: single nucleotide variant.
Coding change: c.468G>A on transcript NM_031459.5 (MANE Select); coding-DNA position 468, G replaced by A.
Protein change: p.Leu156=; no amino-acid change (leucine 156 retained).
Molecular consequence: synonymous variant.
Genome position (GRCh38, 1-based): chr1:28,272,397, G>A. VCF-style: chr1-28272397-G-A. GRCh37 (hg19) VCF-style: chr1-28598908-G-A.
Identifiers: ClinVar variation 2638579 (VCV002638579.24), dbSNP rs368963626, ClinGen allele CA720530.

ClinVar aggregate classification (germline): Likely benign (1 of 4 stars; one submission).

Allele frequency attached by ClinVar (database versions not stated): TOPMed 0.00008; ExAC 0.00012; gnomAD 0.00013; ESP Exome Variant Server 0.00015; 1000 Genomes Project 30x 0.00016; 1000 Genomes Project 0.00020.
gnomAD v4.1: 180 of 1,613,592 alleles (0.011%); highest among the groups gnomAD compares: Middle Eastern, 0.51%; 1 homozygote.

Submission:

CeGaT Center for Human Genetics Tuebingen
Classification: Likely benign. Last evaluated: 2022-10-01. Review status: criteria provided, single submitter. Criteria: CeGaT Center For Human Genetics Tuebingen Variant Classification Criteria Version 2. Collection method: clinical testing. Allele origin: germline. Affected: yes. Observed: 1 variant allele.
Comment: SESN2: BP4, BP7